The following is an entry in ClinVar:

NM_153717.3(EVC):c.*2009T>C

Gene: EVC (EvC ciliary complex subunit 1; plus strand). Cytogenetic location: 4p16.2.
Variant type: single nucleotide variant.
Coding change: c.*2009T>C on transcript NM_153717.3 (MANE Select); 2009 bases downstream of the stop codon, T replaced by C.
Molecular consequence: 3 prime UTR variant.
Genome position (GRCh38, 1-based): chr4:5,813,046, T>C. VCF-style: chr4-5813046-T-C. GRCh37 (hg19) VCF-style: chr4-5814773-T-C.
Other names: c.*2009T>C (NM_001306090.2).
Identifiers: ClinVar variation 349262 (VCV000349262.6), dbSNP rs79152885, ClinGen allele CA10618087.

ClinVar aggregate classification (germline): Benign. Review status: criteria provided, multiple submitters, no conflicts (2 of 4 stars). 2 submissions from 2 submitters: Benign (2). Last evaluated 2018-01-13.

Conditions:
Ellis-van Creveld syndrome (EVC). Also called: EVC-Related Ellis-van Creveld Syndrome; EVC2-Related Ellis-van Creveld Syndrome; MESOECTODERMAL DYSPLASIA; Chondroectodermal dysplasia. Identifiers: Orphanet 289, MedGen C0013903, MONDO:0009162, OMIM 225500.

Allele frequency attached by ClinVar (database versions not stated): 1000 Genomes Project 0.05351; 1000 Genomes Project 30x 0.05731; gnomAD 0.06237 and 0.06541; TOPMed 0.06871; gnomAD exomes 0.10000.
gnomAD v4.1: 9,485 of 152,290 alleles (6.2%); highest among the groups gnomAD compares: African/African-American, 13%; 457 homozygotes.

Submissions (2):

Illumina Laboratory Services, Illumina
Classification: Benign for Ellis-van Creveld syndrome. Last evaluated: 2018-01-13. Review status: criteria provided, single submitter. Criteria: ICSL Variant Classification Criteria 13 December 2019. Collection method: clinical testing. Allele origin: germline.
Comment: This variant was observed in the ICSL laboratory as part of a predisposition screen in an ostensibly healthy population. It had not been previously curated by ICSL or reported in the Human Gene Mutation Database (HGMD: prior to June 1st, 2018), and was therefore a candidate for classification through an automated scoring system. Utilizing variant allele frequency, disease prevalence and penetrance estimates, and inheritance mode, an automated score was calculated to assess if this variant is too frequent to cause the disease. Based on the score and internal cut-off values, a variant classified as benign is not then subjected to further curation. The score for this variant resulted in a classification of benign for this disease.

Breakthrough Genomics
Classification: Benign. Review status: criteria provided, single submitter. Criteria: ACMG Guidelines, 2015. Collection method: not provided. Allele origin: germline. Inheritance: Autosomal recessive inheritance. Affected: yes.